The following is an entry in ClinVar:

ClinVar aggregate classification (germline): Uncertain significance (1 of 4 stars; one submission).

Conditions:
Pierson syndrome. Also called: MICROCORIA-CONGENITAL NEPHROTIC SYNDROME. Identifiers: Orphanet 2670, MedGen C1836876, MONDO:0012184, OMIM 609049.
LAMB2-related infantile-onset nephrotic syndrome. Also called: NEPHROTIC SYNDROME, TYPE 5, WITHOUT OCULAR ABNORMALITIES; NEPHROTIC SYNDROME, TYPE 5, WITH OCULAR ABNORMALITIES; Nephrotic Syndrome, type 5. Identifiers: Orphanet 306507, MedGen C3280113, MONDO:0013621, OMIM 614199.

Submission:

Labcorp Genetics (formerly Invitae), Labcorp
Classification: Uncertain significance for LAMB2-related infantile-onset nephrotic syndrome; Pierson syndrome. Last evaluated: 2022-05-18. Review status: criteria provided, single submitter. Criteria: Invitae Variant Classification Sherloc (09022015). Collection method: clinical testing. Allele origin: germline.
Comment: In summary, the available evidence is currently insufficient to determine the role of this variant in disease. Therefore, it has been classified as a Variant of Uncertain Significance. This sequence change replaces proline, which is neutral and non-polar, with arginine, which is basic and polar, at codon 1435 of the LAMB2 protein (p.Pro1435Arg). This variant is not present in population databases (gnomAD no frequency). This variant has not been reported in the literature in individuals affected with LAMB2-related conditions. Algorithms developed to predict the effect of missense changes on protein structure and function output the following: SIFT: "Tolerated"; PolyPhen-2: "Benign"; Align-GVGD: "Class C0". The arginine amino acid residue is found in multiple mammalian species, which suggests that this missense change does not adversely affect protein function.

NM_002292.4(LAMB2):c.4304C>G (p.Pro1435Arg)

Gene: LAMB2 (laminin subunit beta 2; minus strand). Cytogenetic location: 3p21.31.
Variant type: single nucleotide variant.
Coding change: c.4304C>G on transcript NM_002292.4 (MANE Select); coding-DNA position 4304, C replaced by G.
Protein change: p.Pro1435Arg; replaces proline 1435 with arginine.
Molecular consequence: missense variant.
Genome position (GRCh38, 1-based): chr3:49,122,973, G>C on the plus strand (C>G on the coding strand, the complement: LAMB2 is on the minus strand). VCF-style: chr3-49122973-G-C. GRCh37 (hg19) VCF-style: chr3-49160406-G-C.
Other names: short protein forms P1435R.
Identifiers: ClinVar variation 1904527 (VCV001904527.5), dbSNP rs140968382, ClinGen allele CA352694330.